The following is an entry in ClinVar:

ClinVar aggregate classification (germline): Uncertain significance (1 of 4 stars; one submission).

gnomAD v4.1: 2 of 1,588,694 alleles (0.00013%); highest among the groups gnomAD compares: Admixed American, 0.0017%; no homozygotes.

Submission:

Labcorp Genetics (formerly Invitae), Labcorp
Classification: Uncertain significance. Last evaluated: 2024-09-29. Review status: criteria provided, single submitter. Criteria: Invitae Variant Classification Sherloc (09022015). Collection method: clinical testing. Allele origin: germline.
Comment: This sequence change replaces methionine, which is neutral and non-polar, with isoleucine, which is neutral and non-polar, at codon 436 of the NFKB1 protein (p.Met436Ile). The frequency data for this variant in the population databases is considered unreliable, as metrics indicate poor data quality at this position in the gnomAD database. This variant has not been reported in the literature in individuals affected with NFKB1-related conditions. An algorithm developed to predict the effect of missense changes on protein structure and function outputs the following: PolyPhen-2: "Benign". The isoleucine amino acid residue is found in multiple mammalian species, which suggests that this missense change does not adversely affect protein function. In summary, the available evidence is currently insufficient to determine the role of this variant in disease. Therefore, it has been classified as a Variant of Uncertain Significance.

NM_003998.4(NFKB1):c.1308G>A (p.Met436Ile)

Gene: NFKB1 (nuclear factor kappa B subunit 1; plus strand). Cytogenetic location: 4q24.
Variant type: single nucleotide variant.
Coding change: c.1308G>A on transcript NM_003998.4 (MANE Select); coding-DNA position 1308, G replaced by A.
Protein change: p.Met436Ile; replaces methionine 436 with isoleucine.
Molecular consequence: missense variant.
Genome position (GRCh38, 1-based): chr4:102,596,145, G>A. VCF-style: chr4-102596145-G-A. GRCh37 (hg19) VCF-style: chr4-103517302-G-A.
Other names: c.1305G>A, p.Met435Ile (NM_001165412.2, NM_001319226.2, NM_001382627.1); c.1308G>A, p.Met436Ile (NM_001382625.1, NM_001382626.1); c.1266G>A, p.Met422Ile (NM_001382628.1); short protein forms M422I, M435I, M436I.
Identifiers: ClinVar variation 3716829 (VCV003716829.2).
Genomic context (GRCh38, chr4:102,596,145, plus strand): 5'-ATCACTAAATACATTTTACTGAGAAAAATCTGATGTTTTTGCATTTATCTTAGGAACCAT[G>A]GACACTGAATCTAAAAAGGACCCTGAAGGTTGTGACAAAAGTGATGACAAAAACACTGTA-3'
Protein context (NP_003989.2, residues 426-446): KSNAGMKHGT[Met436Ile]DTESKKDPEG